The following is an entry in ClinVar:

ClinVar aggregate classification (germline): Benign. Review status: criteria provided, multiple submitters, no conflicts (2 of 4 stars). 6 submissions from 5 submitters: Benign (6). Last evaluated 2022-07-01.

Conditions:
Hypobetalipoproteinemia. Identifiers: Orphanet 31154, MedGen C0020597, MONDO:0017774.
Familial hypercholesterolemia. Also called: Familial hypercholesterolaemia; Familial hypercholesterolemias. Identifiers: MedGen C0020445, MONDO:0005439.
Hypercholesterolemia, familial, 1. Also called: HYPERCHOLESTEROLEMIA, FAMILIAL, MODIFIER OF; LDL RECEPTOR DISORDER; Hyperlipoproteinemia Type IIa; HYPER-LOW-DENSITY-LIPOPROTEINEMIA; HYPERCHOLESTEROLEMIC XANTHOMATOSIS, FAMILIAL; Fredrickson type IIa hyperlipoproteinemia. Identifiers: Orphanet 391665, MedGen C0745103, MONDO:0007750, OMIM 143890.
Hypercholesterolemia, autosomal dominant, 3 (FHCL3). Also called: Familial hypercholesterolemia 3; PCSK9-Related Familial Hypercholesterolemia, Autosomal Dominant; Familial Hypercholesterolemia, Autosomal Dominant, 3. Identifiers: MedGen C1863551, MONDO:0011369, OMIM 603776.

Allele frequency attached by ClinVar (database versions not stated): gnomAD 0.09487; 1000 Genomes Project 30x 0.09322; 1000 Genomes Project 0.09385; TOPMed 0.09716.
gnomAD v4.1: 205,427 of 1,546,470 alleles (13%); highest among the groups gnomAD compares: South Asian, 15%; 14,642 homozygotes.

Submissions (6):

GENinCode PLC
Classification: Benign for Familial hypercholesterolemia. Last evaluated: 2022-07-01. Review status: criteria provided, single submitter. Criteria: ACMG Guidelines, 2015. Collection method: clinical testing. Allele origin: germline.
Comment: The PCSK9 c.-64C>T variant has a GrpMax filtering allele frequency in gnomAD v4.1.1 of 0.1474 in the South Asian genetic ancestry group. This is higher than our in-house threshold (0.005 for BA1) and therefore meets this criterion and is classified as Benign.

Illumina Laboratory Services, Illumina
Classification: Benign for Hypobetalipoproteinemia. Last evaluated: 2018-01-13. Review status: criteria provided, single submitter. Criteria: ICSL Variant Classification Criteria 13 December 2019. Collection method: clinical testing. Allele origin: germline.
Comment: This variant was observed in the ICSL laboratory as part of a predisposition screen in an ostensibly healthy population. It had not been previously curated by ICSL or reported in the Human Gene Mutation Database (HGMD: prior to June 1st, 2018), and was therefore a candidate for classification through an automated scoring system. Utilizing variant allele frequency, disease prevalence and penetrance estimates, and inheritance mode, an automated score was calculated to assess if this variant is too frequent to cause the disease. Based on the score and internal cut-off values, a variant classified as benign is not then subjected to further curation. The score for this variant resulted in a classification of benign for this disease.

Illumina Laboratory Services, Illumina
Classification: Benign for Hypercholesterolemia, autosomal dominant, 3. Last evaluated: 2018-01-13. Review status: criteria provided, single submitter. Criteria: ICSL Variant Classification Criteria 13 December 2019. Collection method: clinical testing. Allele origin: germline.
Comment: the same text as in the submission from Illumina Laboratory Services, Illumina above.

Cardiovascular Research Group, Instituto Nacional de Saude Doutor Ricardo Jorge
Classification: Benign for Familial hypercholesterolemia. Last evaluated: 2016-03-01. Review status: criteria provided, single submitter. Criteria: ACMG Guidelines, 2015. Collection method: research. Allele origin: germline. Affected: yes.

Women's Health and Genetics/Laboratory Corporation of America, LabCorp
Classification: Benign for Familial Hypercholesterolemia. Last evaluated: 2011-08-18. Review status: criteria provided, single submitter. Criteria: LabCorp Variant Classification Summary - May 2015. Collection method: clinical testing. Allele origin: not applicable. Inheritance: autosomal unknown.
ClinVar note: Converted during submission from benign to Benign.

Breakthrough Genomics
Classification: Benign. Review status: criteria provided, single submitter. Criteria: ACMG Guidelines, 2015. Collection method: not provided. Allele origin: germline. Inheritance: Autosomal dominant inheritance. Affected: yes.

Literature cited by the submitters: PubMed 12730697 (cited by Women's Health and Genetics/Laboratory Corporation of America, LabCorp); PubMed 19191301 (cited by Women's Health and Genetics/Laboratory Corporation of America, LabCorp).

NM_174936.4(PCSK9):c.-64C>T

Gene: PCSK9 (proprotein convertase subtilisin/kexin type 9; plus strand). Cytogenetic location: 1p32.3.
Variant type: single nucleotide variant.
Coding change: c.-64C>T on transcript NM_174936.4 (MANE Select); 64 bases upstream of the start codon, C replaced by T.
Molecular consequence: 5 prime UTR variant.
Genome position (GRCh38, 1-based): chr1:55,039,774, C>T. VCF-style: chr1-55039774-C-T. GRCh37 (hg19) VCF-style: chr1-55505447-C-T.
Identifiers: ClinVar variation 36666 (VCV000036666.10), dbSNP rs45448095, ClinGen allele CA023180.
Genomic context (GRCh38, chr1:55,039,774, plus strand): 5'-CCCTGCTCCTGAACTTCAGCTCCTGCACAGTCCTCCCCACCGCAAGGCTCAAGGCGCCGC[C>T]GGCGTGGACCGCGCACGGCCTCTAGGTCTCCTCGCCAGGACAGCAACCTCTCCCCTGGCC-3'